The following is an entry in ClinVar:

ClinVar aggregate classification (germline): Uncertain significance (1 of 4 stars; one submission).

Conditions:
Norman-Roberts syndrome (LIS2). Also called: Lissencephaly 2 (Norman-Roberts type). Identifiers: Orphanet 89844, MedGen C0796089, MONDO:0009760, OMIM 257320.
Familial temporal lobe epilepsy 7. Identifiers: Orphanet 101046, MedGen C4225327, MONDO:0014639, OMIM 616436.

Submission:

Labcorp Genetics (formerly Invitae), Labcorp
Classification: Uncertain significance for Familial temporal lobe epilepsy 7; Norman-Roberts syndrome. Last evaluated: 2024-05-27. Review status: criteria provided, single submitter. Criteria: Invitae Variant Classification Sherloc (09022015). Collection method: clinical testing. Allele origin: germline.
Comment: This sequence change replaces alanine, which is neutral and non-polar, with valine, which is neutral and non-polar, at codon 699 of the RELN protein (p.Ala699Val). This variant is not present in population databases (gnomAD no frequency). This variant has not been reported in the literature in individuals affected with RELN-related conditions. Advanced modeling of protein sequence and biophysical properties (such as structural, functional, and spatial information, amino acid conservation, physicochemical variation, residue mobility, and thermodynamic stability) performed at Invitae indicates that this missense variant is not expected to disrupt RELN protein function with a negative predictive value of 80%. In summary, the available evidence is currently insufficient to determine the role of this variant in disease. Therefore, it has been classified as a Variant of Uncertain Significance.

NM_005045.4(RELN):c.2096C>T (p.Ala699Val)

Gene: RELN (reelin; minus strand). Cytogenetic location: 7q22.1.
Variant type: single nucleotide variant.
Coding change: c.2096C>T on transcript NM_005045.4 (MANE Select); coding-DNA position 2096, C replaced by T.
Protein change: p.Ala699Val; replaces alanine 699 with valine.
Molecular consequence: missense variant.
Genome position (GRCh38, 1-based): chr7:103,636,442, G>A on the plus strand (C>T on the coding strand, the complement: RELN is on the minus strand). VCF-style: chr7-103636442-G-A. GRCh37 (hg19) VCF-style: chr7-103276889-G-A.
Other names: c.2096C>T, p.Ala699Val (NM_173054.3); short protein forms A699V.
Identifiers: ClinVar variation 3754355 (VCV003754355.2).